The following is an entry in ClinVar:

NM_198334.3(GANAB):c.560+521T>C

Gene: GANAB (glucosidase II alpha subunit; minus strand). Cytogenetic location: 11q12.3.
Variant type: single nucleotide variant.
Coding change: c.560+521T>C on transcript NM_198334.3 (MANE Select); 521 bases into the intron after coding-DNA position 560, T replaced by C.
Molecular consequence: intron variant.
Genome position (GRCh38, 1-based): chr11:62,634,300, A>G on the plus strand (T>C on the coding strand, the complement: GANAB is on the minus strand). VCF-style: chr11-62634300-A-G. GRCh37 (hg19) VCF-style: chr11-62401772-A-G.
Other names: c.626+10T>C (NM_198335.3, NM_198335.4); c.218+521T>C (NM_001278193.2); c.284+10T>C (NM_001278192.2); c.269+521T>C (NM_001329223.2, NM_001278194.2, NM_001329222.2); c.-217+521T>C (NM_001329225.2, NM_001329224.2).
Identifiers: ClinVar variation 1916798 (VCV001916798.6), dbSNP rs375819187, ClinGen allele CA6051038.

ClinVar aggregate classification (germline): Likely benign. Review status: criteria provided, multiple submitters, no conflicts (2 of 4 stars). 2 submissions from 2 submitters: Likely benign (2). Last evaluated 2025-06-12.

Conditions:
GANAB-related disorder. Also called: GANAB-related condition.

Allele frequency attached by ClinVar (database versions not stated): gnomAD exomes below 0.00001; ExAC 0.00002; TOPMed 0.00005; gnomAD 0.00007; ESP Exome Variant Server 0.00008.
gnomAD v4.1: 17 of 1,574,198 alleles (0.0011%); highest among the groups gnomAD compares: African/African-American, 0.02%; no homozygotes.

Submissions (2):

Labcorp Genetics (formerly Invitae), Labcorp
Classification: Likely benign. Last evaluated: 2025-06-12. Review status: criteria provided, single submitter. Criteria: Invitae Variant Classification Sherloc (09022015). Collection method: clinical testing. Allele origin: germline.

PreventionGenetics, part of Exact Sciences
Classification: Likely benign for GANAB-related condition. Last evaluated: 2024-12-14. Review status: criteria provided, single submitter. Criteria: ACMG Guidelines, 2015. Collection method: clinical testing. Allele origin: germline.
Comment: This variant is classified as likely benign based on ACMG/AMP sequence variant interpretation guidelines (Richards et al. 2015 PMID: 25741868, with internal and published modifications).